The following is an entry in ClinVar:

ClinVar aggregate classification (germline): Uncertain significance. Review status: criteria provided, multiple submitters, no conflicts (2 of 4 stars). 2 submissions from 2 submitters: Uncertain significance (2). Last evaluated 2025-05-06.

Conditions:
Atrial fibrillation, familial, 7 (ATFB7). Identifiers: MedGen C2677106, MONDO:0012828, OMIM 612240.

Submissions (2):

Labcorp Genetics (formerly Invitae), Labcorp
Classification: Uncertain significance for Atrial fibrillation, familial, 7. Last evaluated: 2025-05-06. Review status: criteria provided, single submitter. Criteria: Invitae Variant Classification Sherloc (09022015). Collection method: clinical testing. Allele origin: germline.
Comment: This sequence change replaces aspartic acid, which is acidic and polar, with histidine, which is basic and polar, at codon 148 of the KCNA5 protein (p.Asp148His). This variant is present in population databases (rs773318785, gnomAD 0.003%). This variant has not been reported in the literature in individuals affected with KCNA5-related conditions. ClinVar contains an entry for this variant (Variation ID: 1515157). Invitae Evidence Modeling of protein sequence and biophysical properties (such as structural, functional, and spatial information, amino acid conservation, physicochemical variation, residue mobility, and thermodynamic stability) indicates that this missense variant is not expected to disrupt KCNA5 protein function with a negative predictive value of 80%. In summary, the available evidence is currently insufficient to determine the role of this variant in disease. Therefore, it has been classified as a Variant of Uncertain Significance.

Blueprint Genetics
Classification: Uncertain significance. Last evaluated: 2024-02-15. Review status: criteria provided, single submitter. Criteria: ACMG Guidelines, 2015. Collection method: clinical testing. Allele origin: germline.

NM_002234.4(KCNA5):c.442G>C (p.Asp148His)

Gene: KCNA5 (potassium voltage-gated channel subfamily A member 5; plus strand). Cytogenetic location: 12p13.32.
Variant type: single nucleotide variant.
Coding change: c.442G>C on transcript NM_002234.4 (MANE Select); coding-DNA position 442, G replaced by C.
Protein change: p.Asp148His; replaces aspartic acid 148 with histidine.
Molecular consequence: missense variant.
Genome position (GRCh38, 1-based): chr12:5,044,589, G>C. VCF-style: chr12-5044589-G-C. GRCh37 (hg19) VCF-style: chr12-5153755-G-C.
Other names: short protein forms D148H.
Identifiers: ClinVar variation 1515157 (VCV001515157.7), dbSNP rs773318785, ClinGen allele CA6399620.
Genomic context (GRCh38, chr12:5,044,589, plus strand): 5'-GGGCTGCGCTTTGAGACGCAGCTGGGCACCCTGGCGCAGTTCCCCAACACACTCCTGGGG[G>C]ACCCCGCCAAGCGCCTGCGCTACTTCGACCCCCTGAGGAACGAGTACTTCTTCGACCGCA-3'
Protein context (NP_002225.2, residues 138-158): LAQFPNTLLG[Asp148His]PAKRLRYFDP